The following is an entry in ClinVar:

NM_000540.3(RYR1):c.11284C>T (p.Leu3762Phe)

Gene: RYR1 (ryanodine receptor 1; plus strand). Cytogenetic location: 19q13.2.
Variant type: single nucleotide variant.
Coding change: c.11284C>T on transcript NM_000540.3 (MANE Select); coding-DNA position 11284, C replaced by T.
Protein change: p.Leu3762Phe; replaces leucine 3762 with phenylalanine.
Molecular consequence: missense variant.
Genome position (GRCh38, 1-based): chr19:38,534,744, C>T. VCF-style: chr19-38534744-C-T. GRCh37 (hg19) VCF-style: chr19-39025384-C-T.
Other names: c.11269C>T, p.Leu3757Phe (NM_001042723.2); c.11284C>T (NM_000540.2); short protein forms L3757F, L3762F.
Identifiers: ClinVar variation 1042465 (VCV001042465.10), dbSNP rs1373874840, ClinGen allele CA405654541.
Genomic context (GRCh38, chr19:38,534,744, plus strand): 5'-CTGGACTTGCCTTCATGTGTCTGCCTCCCTTCCCAGGAGAAACAGATGGAGAAGCAGAGG[C>T]TCTTGTACCAGCAAGCACGGCTGCACACCCGGGGGGCGGCCGAGATGGTGCTGCAGATGA-3'
Protein context (NP_000531.2, residues 3752-3772): FEEKQMEKQR[Leu3762Phe]LYQQARLHTR

ClinVar aggregate classification (germline): Uncertain significance. Review status: criteria provided, multiple submitters, no conflicts (2 of 4 stars). 3 submissions from 3 submitters: Uncertain significance (3). Last evaluated 2025-06-23.

Conditions:
RYR1-related disorder. Also called: RYR1-related condition; RYR1-related disorders. Identifiers: MedGen CN239331.
Malignant hyperthermia, susceptibility to, 1 (MHS1). Also called: Anesthesia related hyperthermia; Malignant hyperpyrexia; Fulminating hyperpyrexia; Pharmacogenic myopathy; RYR1-Related Malignant Hyperthermia Susceptibility; Malignant hyperthermia suceptibility 1. Identifiers: Orphanet 423, MedGen C2930980, MONDO:0007783, OMIM 145600.

Allele frequency attached by ClinVar (database versions not stated): gnomAD exomes below 0.00001; TOPMed below 0.00001.
gnomAD v4.1: 1 of 1,614,008 alleles (0.000062%); highest among the groups gnomAD compares: South Asian, 0.0011%; no homozygotes.

Submissions (3):

GeneDx
Classification: Uncertain significance. Last evaluated: 2025-06-23. Review status: criteria provided, single submitter. Criteria: GeneDx Variant Classification Process June 2021. Collection method: clinical testing. Allele origin: germline. Affected: yes.
Comment: Not observed at significant frequency in large population cohorts (gnomAD); In silico analysis supports that this missense variant has a deleterious effect on protein structure/function; Has not been previously published as pathogenic or benign to our knowledge

All of Us Research Program, National Institutes of Health
Classification: Uncertain significance for Malignant hyperthermia, susceptibility to, 1. Last evaluated: 2023-12-18. Review status: criteria provided, single submitter. Criteria: ACMG Guidelines, 2015. Collection method: clinical testing. Allele origin: germline. Inheritance: Autosomal dominant inheritance. Observed: 1 variant allele, 1 heterozygote.
Comment: This missense variant replaces leucine with phenylalanine at codon 3762 of the RYR1 protein. Computational prediction suggests that this variant may not impact protein structure and function (internally defined REVEL score threshold <= 0.6, PMID: 27666373). To our knowledge, functional studies have not been reported for this variant. This variant has not been reported in individuals affected with RYR1-related disorders in the literature. This variant has not been identified in the general population by the Genome Aggregation Database (gnomAD). The available evidence is insufficient to determine the role of this variant in disease conclusively. Therefore, this variant is classified as a Variant of Uncertain Significance.

This study involves interpretation of variants in research participants for the purpose of population health screening. Participant phenotype was not available at the time of variant classification. Additional details can be found in publication PMID: 35346344, PMCID: PMC8962531

Labcorp Genetics (formerly Invitae), Labcorp
Classification: Uncertain significance for RYR1-related disorder. Last evaluated: 2020-07-20. Review status: criteria provided, single submitter. Criteria: Invitae Variant Classification Sherloc (09022015). Collection method: clinical testing. Allele origin: germline.
Comment: In summary, the available evidence is currently insufficient to determine the role of this variant in disease. Therefore, it has been classified as a Variant of Uncertain Significance. Algorithms developed to predict the effect of sequence changes on RNA splicing suggest that this variant may create or strengthen a splice site, but this prediction has not been confirmed by published transcriptional studies. Advanced modeling of protein sequence and biophysical properties (such as structural, functional, and spatial information, amino acid conservation, physicochemical variation, residue mobility, and thermodynamic stability) performed at Invitae indicates that this missense variant is not expected to disrupt RYR1 protein function. This variant has not been reported in the literature in individuals with RYR1-related conditions. This variant is not present in population databases (ExAC no frequency). This sequence change replaces leucine with phenylalanine at codon 3762 of the RYR1 protein (p.Leu3762Phe). The leucine residue is highly conserved and there is a small physicochemical difference between leucine and phenylalanine.